The following is an entry in ClinVar:

NM_000059.4(BRCA2):c.7228T>C (p.Phe2410Leu)

Gene: BRCA2 (BRCA2 DNA repair associated; plus strand). Cytogenetic location: 13q13.1.
Variant type: single nucleotide variant.
Coding change: c.7228T>C on transcript NM_000059.4 (MANE Select); coding-DNA position 7228, T replaced by C.
Protein change: p.Phe2410Leu; replaces phenylalanine 2410 with leucine.
Molecular consequence: missense variant.
Genome position (GRCh38, 1-based): chr13:32,355,081, T>C. VCF-style: chr13-32355081-T-C. GRCh37 (hg19) VCF-style: chr13-32929218-T-C.
Other names: short protein forms F2410L.
Identifiers: ClinVar variation 1015355 (VCV001015355.9), dbSNP rs2072680425, ClinGen allele CA387740229.

ClinVar aggregate classification (germline): Uncertain significance (1 of 4 stars; one submission).

Conditions:
Hereditary breast ovarian cancer syndrome. Also called: Hereditary breast and ovarian cancer syndrome (HBOC); Hereditary breast and/or ovarian cancer syndrome; BRCA1- and BRCA2-Associated Hereditary Breast and Ovarian Cancer; Hereditary breast and ovarian cancer syndrome; Hereditary breast and ovarian cancer; Breast and ovarian cancer. Identifiers: Orphanet 145, MedGen C0677776, MeSH D061325, MONDO:0003582. Disease mechanism: loss of function.

Submission:

Labcorp Genetics (formerly Invitae), Labcorp
Classification: Uncertain significance for Hereditary breast ovarian cancer syndrome. Last evaluated: 2021-07-30. Review status: criteria provided, single submitter. Criteria: Invitae Variant Classification Sherloc (09022015). Collection method: clinical testing. Allele origin: germline.
Comment: In summary, the available evidence is currently insufficient to determine the role of this variant in disease. Therefore, it has been classified as a Variant of Uncertain Significance. Algorithms developed to predict the effect of missense changes on protein structure and function are either unavailable or do not agree on the potential impact of this missense change (SIFT: "Tolerated"; PolyPhen-2: "Probably Damaging"; Align-GVGD: "Class C0"). This variant has not been reported in the literature in individuals with BRCA2-related conditions. This variant is not present in population databases (ExAC no frequency). This sequence change replaces phenylalanine with leucine at codon 2410 of the BRCA2 protein (p.Phe2410Leu). The phenylalanine residue is highly conserved and there is a small physicochemical difference between phenylalanine and leucine.